The following is an entry in ClinVar:

ClinVar aggregate classification (germline): Pathogenic (1 of 4 stars; one submission).

Conditions:
Kartagener syndrome (CILD1). Also called: CILIARY DYSKINESIA, PRIMARY, 1; CILIARY DYSKINESIA, PRIMARY, 1, WITH OR WITHOUT SITUS INVERSUS; IMMOTILE CILIA SYNDROME; POLYNESIAN BRONCHIECTASIS; Dextrocardia bronchiectasis and sinusitis; SIEWERT SYNDROME. Identifiers: Orphanet 244, MedGen C4551906, MONDO:0009484, OMIM 244400.

Submission:

Myriad Genetics, Inc.
Classification: Pathogenic for Kartagener syndrome. Last evaluated: 2024-05-14. Review status: criteria provided, single submitter. Criteria: Myriad Autosomal Dominant, Autosomal Recessive and X-Linked Classification Criteria (2023). Collection method: clinical testing. Allele origin: unknown.
Comment: NM_012144.2(DNAI1):c.223_224ins19(P75Qfs*6) is expected to be pathogenic in the context of primary ciliary dyskinesia, DNAI1-related. This variant is predicted to lead to an abnormal or absent protein product due to the creation of a premature termination codon in DNAI1, a gene where loss-of-function variants are known to be pathogenic. Please note: this variant was assessed in the context of healthy population screening.

NM_012144.4(DNAI1):c.223_224insAAAATTATACAAAATAAAA (p.Pro75delinsGlnAsnTyrThrLysTer)

Gene: DNAI1 (dynein axonemal intermediate chain 1; plus strand). Cytogenetic location: 9p13.3.
Variant type: Insertion.
Coding change: c.223_224insAAAATTATACAAAATAAAA on transcript NM_012144.4 (MANE Select); coding-DNA positions 223 to 224, AAAATTATACAAAATAAAA inserted.
Protein change: p.Pro75delinsGlnAsnTyrThrLysTer.
Molecular consequence: nonsense.
Genome position: GRCh38 VCF-style: chr9-34485479-C-CAAAATTATACAAAATAAAA. GRCh37 (hg19) VCF-style: chr9-34485477-C-CAAAATTATACAAAATAAAA.
Other names: c.223_224insAAAATTATACAAAATAAAA, p.Pro75delinsGlnAsnTyrThrLysTer (NM_001281428.2).
Identifiers: ClinVar variation 5010731 (VCV005010731.1).
Genomic context (GRCh38, chr9:34,485,479, plus strand): 5'-GGTATTTTTCTCCCTCAGGAGTTAAAGGAGGAGTTCACTCGGATTTTGACAGCCAACAAC[C>CAAAATTATACAAAATAAAA]CACACGCACCCCAGAACATTGTCAGGTACAGCTTCAAAGTAAGTCATCCCCTCCTGGGCA-3'